The following is an entry in ClinVar:

ClinVar aggregate classification (germline): Benign. Review status: criteria provided, multiple submitters, no conflicts (2 of 4 stars). 3 submissions from 3 submitters: Benign (3). Last evaluated 2025-09-24.

Conditions:
ACKR1-related disorder. Also called: ACKR1-related condition.

Allele frequency attached by ClinVar (database versions not stated): 1000 Genomes Project 0.00359; 1000 Genomes Project 30x 0.00359; gnomAD 0.00477 and 0.00487; ExAC 0.00498; ESP Exome Variant Server 0.00507; gnomAD exomes 0.00535; TOPMed 0.00575.
gnomAD v4.1: 9,069 of 1,614,250 alleles (0.56%); highest among the groups gnomAD compares: Middle Eastern, 0.82%; 39 homozygotes.

Submissions (3):

PreventionGenetics, part of Exact Sciences
Classification: Benign for ACKR1-related condition. Last evaluated: 2025-09-24. Review status: criteria provided, single submitter. Criteria: ACMG Guidelines, 2015. Collection method: clinical testing. Allele origin: germline.
Comment: This variant is classified as benign based on ACMG/AMP sequence variant interpretation guidelines (Richards et al. 2015 PMID: 25741868, with internal and published modifications).

Labcorp Genetics (formerly Invitae), Labcorp
Classification: Benign. Last evaluated: 2018-07-31. Review status: criteria provided, single submitter. Criteria: Invitae Variant Classification Sherloc (09022015). Collection method: clinical testing. Allele origin: germline.

Breakthrough Genomics
Classification: Benign. Review status: criteria provided, single submitter. Criteria: ACMG Guidelines, 2015. Collection method: not provided. Allele origin: germline. Inheritance: Autosomal recessive inheritance. Affected: yes.

NM_002036.4(ACKR1):c.714G>A (p.Gly238=)

Gene: ACKR1 (atypical chemokine receptor 1 (Duffy blood group); plus strand). Cytogenetic location: 1q23.2.
Variant type: single nucleotide variant.
Coding change: c.714G>A on transcript NM_002036.4 (MANE Select); coding-DNA position 714, G replaced by A.
Protein change: p.Gly238=; no amino-acid change (glycine 238 retained).
Molecular consequence: synonymous variant.
Genome position (GRCh38, 1-based): chr1:159,206,153, G>A. VCF-style: chr1-159206153-G-A. GRCh37 (hg19) VCF-style: chr1-159175943-G-A.
Other names: c.720G>A, p.Gly240= (NM_001122951.3).
Identifiers: ClinVar variation 777331 (VCV000777331.5), dbSNP rs36007769, ClinGen allele CA1187787.
Genomic context (GRCh38, chr1:159,206,153, plus strand): 5'-TGTCTTGTTGCCATTGGGTTTGTTTGGAGCCAAGGGGCTGAAGAAGGCATTGGGTATGGG[G>A]CCAGGCCCCTGGATGAATATCCTGTGGGCCTGGTTTATTTTCTGGTGGCCTCATGGGGTG-3'
Protein context (NP_002027.2, residues 228-248): AKGLKKALGM[Gly238=]PGPWMNILWA